The following is an entry in ClinVar:

ClinVar aggregate classification (germline): Uncertain significance (1 of 4 stars; one submission).

Submission:

ARUP Laboratories, Molecular Genetics and Genomics, ARUP Laboratories
Classification: Uncertain significance. Last evaluated: 2025-05-15. Review status: criteria provided, single submitter. Criteria: ARUP Molecular Germline Variant Investigation Process 2024. Collection method: clinical testing. Allele origin: germline.
Comment: The CFTR c.910T>C; p.Tyr304His variant, to our knowledge, is not reported in the medical literature or gene specific databases. This variant is also absent from the Genome Aggregation Database (v2.1.1), indicating it is not a common polymorphism. Computational analyses predict that this variant is deleterious (REVEL: 0.736). Due to limited information, the clinical significance of this variant is uncertain at this time.

NM_000492.4(CFTR):c.910T>C (p.Tyr304His)

Gene: CFTR (CF transmembrane conductance regulator; plus strand). Cytogenetic location: 7q31.2.
Variant type: single nucleotide variant.
Coding change: c.910T>C on transcript NM_000492.4 (MANE Select); coding-DNA position 910, T replaced by C.
Protein change: p.Tyr304His; replaces tyrosine 304 with histidine.
Molecular consequence: missense variant.
Genome position (GRCh38, 1-based): chr7:117,540,140, T>C. VCF-style: chr7-117540140-T-C. GRCh37 (hg19) VCF-style: chr7-117180194-T-C.
Other names: short protein forms Y304H.
Identifiers: ClinVar variation 4685818 (VCV004685818.1).